The following is an entry in ClinVar:

NM_000371.4(TTR):c.381T>G (p.Ile127Met)

Gene: TTR (transthyretin; plus strand). Cytogenetic location: 18q12.1.
Variant type: single nucleotide variant.
Coding change: c.381T>G on transcript NM_000371.4 (MANE Select); coding-DNA position 381, T replaced by G.
Protein change: p.Ile127Met; replaces isoleucine 127 with methionine.
Molecular consequence: missense variant.
Genome position (GRCh38, 1-based): chr18:31,598,612, T>G. VCF-style: chr18-31598612-T-G. GRCh37 (hg19) VCF-style: chr18-29178575-T-G.
Other names: short protein forms I127M.
Identifiers: ClinVar variation 1073325 (VCV001073325.11), dbSNP rs751430411, ClinGen allele CA402158199.
Genomic context (GRCh38, chr18:31,598,612, plus strand): 5'-CTGTCTTCTCTCATAGGTGGTATTCACAGCCAACGACTCCGGCCCCCGCCGCTACACCAT[T>G]GCCGCCCTGCTGAGCCCCTACTCCTATTCCACCACGGCTGTCGTCACCAATCCCAAGGAA-3'
Protein context (NP_000362.1, residues 117-137): ANDSGPRRYT[Ile127Met]AALLSPYSYS

ClinVar aggregate classification (germline): Pathogenic/Likely pathogenic. Review status: criteria provided, multiple submitters, no conflicts (2 of 4 stars). 2 submissions from 2 submitters: Pathogenic (1); Likely pathogenic (1). Last evaluated 2025-01-06.

Conditions:
Cardiovascular phenotype. Identifiers: MedGen CN230736.
Amyloidosis, hereditary systemic 1 (AMYLD1). Also called: AMYLOID CARDIOMYOPATHY; Familial amyloid polyneuropathy; Transthyretin Amyloidosis; Hereditary oculoleptomeningeal amyloid angiopathy; Familial Transthyretin Amyloidosis; Isolated Cardiac Amyloidosis. Identifiers: Orphanet 85447, Orphanet 85451, MedGen C2751492, MONDO:0971004, OMIM 105210.

Submissions (2):

Labcorp Genetics (formerly Invitae), Labcorp
Classification: Pathogenic for Amyloidosis, hereditary systemic 1. Last evaluated: 2025-01-06. Review status: criteria provided, single submitter. Criteria: Invitae Variant Classification Sherloc (09022015). Collection method: clinical testing. Allele origin: germline.
Comment: This sequence change replaces isoleucine, which is neutral and non-polar, with methionine, which is neutral and non-polar, at codon 127 of the TTR protein (p.Ile127Met). This variant is not present in population databases (gnomAD no frequency). This missense change has been observed in individual(s) with hereditary transthyretin-mediated amyloidosis (hATTR amyloidosis) (PMID: 17503405, 24480837, 29277593). This variant is also known as p.Ile107Met. ClinVar contains an entry for this variant (Variation ID: 1073325). Invitae Evidence Modeling of protein sequence and biophysical properties (such as structural, functional, and spatial information, amino acid conservation, physicochemical variation, residue mobility, and thermodynamic stability) indicates that this missense variant is expected to disrupt TTR protein function with a positive predictive value of 95%. This variant disrupts the p.Ile127 amino acid residue in TTR. Other variant(s) that disrupt this residue have been determined to be pathogenic (PMID: 7914929, 8081397, 9748014, 20209591, 24101130, 26537620, 27025994, 27066555). This suggests that this residue is clinically significant, and that variants that disrupt this residue are likely to be disease-causing. For these reasons, this variant has been classified as Pathogenic.

Ambry Genetics
Classification: Likely pathogenic for Cardiovascular phenotype. Last evaluated: 2019-11-01. Review status: criteria provided, single submitter. Criteria: Ambry Variant Classification Scheme 2023. Collection method: clinical testing. Allele origin: germline.
Comment: The p.I127M variant (also known as c.381T>G and I107M), located in coding exon 4 of the TTR gene, results from a T to G substitution at nucleotide position 381. The isoleucine at codon 127 is replaced by methionine, an amino acid with highly similar properties. This variant has been reported in multiple individuals with TTR amyloidosis (Connors LH et al. Amyloid, 2003 Sep;10:160-84; Eriksson M et al. Am. J. Surg. Pathol., 2009 Jan;33:58-65; Lv W et al. Eye (Lond), 2014 Apr;28:452-8; Mathieu F et al. World Neurosurg, 2018 Mar;111:190-193). In addition, two disease-causing variants, p.I127V and p.I127F. have been described in the same codon in individuals with TTR amyloidosis (Damy T et al. Eur. Heart J., 2016 06;37:1826-34; Kuzume D et al. Rinsho Shinkeigaku, 2016 04;56:277-80; Cappellari M et al. J. Peripher. Nerv. Syst., 2011 Jun;16:119-29). This amino acid position is well conserved in available vertebrate species. In addition, this alteration is predicted to be deleterious by in silico analysis. Based on the majority of available evidence to date, this variant is likely to be pathogenic.

Literature cited by the submitters: PubMed 17503405 (cited by Labcorp Genetics (formerly Invitae), Labcorp); PubMed 24480837 (cited by Labcorp Genetics (formerly Invitae), Labcorp and Ambry Genetics); PubMed 29277593 (cited by Labcorp Genetics (formerly Invitae), Labcorp and Ambry Genetics); PubMed 7914929 (cited by Labcorp Genetics (formerly Invitae), Labcorp); PubMed 8081397 (cited by Labcorp Genetics (formerly Invitae), Labcorp); PubMed 9748014 (cited by Labcorp Genetics (formerly Invitae), Labcorp); PubMed 20209591 (cited by Labcorp Genetics (formerly Invitae), Labcorp); PubMed 24101130 (cited by Labcorp Genetics (formerly Invitae), Labcorp); PubMed 26537620 (cited by Labcorp Genetics (formerly Invitae), Labcorp); PubMed 27025994 (cited by Labcorp Genetics (formerly Invitae), Labcorp); PubMed 27066555 (cited by Labcorp Genetics (formerly Invitae), Labcorp); PubMed 14640030 (cited by Ambry Genetics); PubMed 18830126 (cited by Ambry Genetics).